The following is an entry in ClinVar:

ClinVar aggregate classification (germline): Likely pathogenic (1 of 4 stars; one submission).

Conditions:
Lynch syndrome 5 (LYNCH5). Also called: Hereditary non-polyposis colorectal cancer, type 5; Colorectal cancer, hereditary nonpolyposis, type 5. Identifiers: Orphanet 144, MedGen C1833477, MONDO:0013710, OMIM 614350. Disease mechanism: loss of function.

Submission:

Molecular Genetics Department, Kulakov National Medical Research Center for Obstetrics, Gynecology and Perinatology
Classification: Likely pathogenic for Lynch syndrome 5. Review status: criteria provided, single submitter. Criteria: ACMG Guidelines, 2015. Collection method: clinical testing. Allele origin: germline. Affected: yes. Observed: 1 variant allele.
Comment: A previously undescribed heterozygous nucleotide variant creates a frameshift p.Glu796GlyfsTer8 in the MSH6 gene. Heterozygous variants are reported in patients with Lynch syndrome 5, 614350. The variant is not present in population database (gnomAD no frequency). In summary, the currently available evidence indicates that the variant is pathogenic, but additional data are needed to prove that conclusively. Therefore, this variant has been classified as likely pathogenic.

NM_000179.3(MSH6):c.2386dup (p.Glu796fs)

Gene: MSH6 (mutS homolog 6; plus strand). Cytogenetic location: 2p16.3.
Variant type: Duplication.
Coding change: c.2386dup on transcript NM_000179.3 (MANE Select); coding-DNA position 2386, one base duplicated (G; older notation c.2386dupG).
Protein change: p.Glu796fs; shifts the reading frame from glutamic acid 796.
Molecular consequence: frameshift variant. On other transcripts: non-coding transcript variant (5), intron variant (3).
Genome position (GRCh38, 1-based): chr2:47,800,369, G duplicated. VCF-style (leftmost placement, unchanged base first): chr2-47800368-A-AG. GRCh37 (hg19) VCF-style: chr2-48027507-A-AG.
Other names: c.1996dup, p.Glu666fs (NM_001281492.2); c.1480dup, p.Glu494fs (NM_001281493.2, NM_001281494.2, NM_001406811.1 and 6 more transcripts); c.2482dup, p.Glu828fs (NM_001406795.1, NM_001406802.1); c.2386dup, p.Glu796fs (NM_001406796.1, NM_001406798.1, NM_001406800.1 and 2 more transcripts); c.2089dup, p.Glu697fs (NM_001406797.1, NM_001406801.1, NM_001406805.1 and 10 more transcripts); c.1861dup, p.Glu621fs (NM_001406799.1, NM_001406806.1, NM_001406807.1); c.2308dup, p.Glu770fs (NM_001406804.1); c.2392dup, p.Glu798fs (NM_001406813.1); and 4 more; short protein forms E621fs, E697fs, E770fs, E740fs, E796fs, E666fs, E828fs, E494fs.
Identifiers: ClinVar variation 4294463 (VCV004294463.1).
Genomic context (GRCh38, chr2:47,800,368, plus strand): 5'-GCAATGGCTTTGTGCCCCACTCTGTAACCATTATGCTATTAATGATCGTCTAGATGCCAT[A>AG]GAAGACCTCATGGTTGTGCCTGACAAAATCTCCGAAGTTGTAGAGCTTCTAAAGAAGCTT-3'